The following is an entry in ClinVar:

NM_003265.3(TLR3):c.1231A>G (p.Ile411Val)

Gene: TLR3 (toll like receptor 3; plus strand). Cytogenetic location: 4q35.1.
Variant type: single nucleotide variant.
Coding change: c.1231A>G on transcript NM_003265.3 (MANE Select); coding-DNA position 1231, A replaced by G.
Protein change: p.Ile411Val; replaces isoleucine 411 with valine.
Molecular consequence: missense variant.
Genome position (GRCh38, 1-based): chr4:186,082,917, A>G. VCF-style: chr4-186082917-A-G. GRCh37 (hg19) VCF-style: chr4-187004071-A-G.
Other names: short protein forms I411V.
Identifiers: ClinVar variation 1051221 (VCV001051221.9), dbSNP rs899704593, ClinGen allele CA112098032.

ClinVar aggregate classification (germline): Uncertain significance (1 of 4 stars; one submission).

Conditions:
Encephalopathy, acute, infection-induced (herpes-specific), susceptibility to, 1. Also called: Herpes simplex encephalitis, susceptibility to, 1. Identifiers: Orphanet 1930, MedGen C2750180, MONDO:0024563, OMIM 610551.

Allele frequency attached by ClinVar (database versions not stated): gnomAD 0.00003; gnomAD exomes 0.00003; TOPMed 0.00002.
gnomAD v4.1: 52 of 1,614,082 alleles (0.0032%); highest among the groups gnomAD compares: Non-Finnish European, 0.0042%; no homozygotes.

Submission:

Labcorp Genetics (formerly Invitae), Labcorp
Classification: Uncertain significance for Encephalopathy, acute, infection-induced (herpes-specific), susceptibility to, 1. Last evaluated: 2025-10-09. Review status: criteria provided, single submitter. Criteria: Invitae Variant Classification Sherloc (09022015). Collection method: clinical testing. Allele origin: germline.
Comment: This sequence change replaces isoleucine, which is neutral and non-polar, with valine, which is neutral and non-polar, at codon 411 of the TLR3 protein (p.Ile411Val). This variant is present in population databases (no rsID available, gnomAD 0.007%). This variant has not been reported in the literature in individuals affected with TLR3-related conditions. ClinVar contains an entry for this variant (Variation ID: 1051221). An algorithm developed to predict the effect of missense changes on protein structure and function outputs the following: PolyPhen-2: "Benign". The valine amino acid residue is found in multiple mammalian species, which suggests that this missense change does not adversely affect protein function. In summary, the available evidence is currently insufficient to determine the role of this variant in disease. Therefore, it has been classified as a Variant of Uncertain Significance.